The following is an entry in ClinVar:

NM_022089.4(ATP13A2):c.2619G>C (p.Val873=)

Gene: ATP13A2 (ATPase cation transporting 13A2; minus strand). Cytogenetic location: 1p36.13.
Variant type: single nucleotide variant.
Coding change: c.2619G>C on transcript NM_022089.4 (MANE Select); coding-DNA position 2619, G replaced by C.
Protein change: p.Val873=; no amino-acid change (valine 873 retained).
Molecular consequence: synonymous variant.
Genome position (GRCh38, 1-based): chr1:16,988,465, C>G on the plus strand (G>C on the coding strand, the complement: ATP13A2 is on the minus strand). VCF-style: chr1-16988465-C-G. GRCh37 (hg19) VCF-style: chr1-17314960-C-G.
Other names: c.2604G>C, p.Val868= (NM_001141973.3); c.2487G>C, p.Val829= (NM_001141974.3).
Identifiers: ClinVar variation 293775 (VCV000293775.24), dbSNP rs199994961, ClinGen allele CA636752.
Genomic context (GRCh38, chr1:16,988,465, plus strand): 5'-GATGCCGACATCAGCCGCCTTCAGGGCCCCACAGTCATTGGCGCCGTCTCCGCACATGCC[C>G]ACGCAGTACCTGAAGAGAGGTGTGGACAGGTGTGGCCTGGGGAATTACCCCACCACCCCA-3'
Protein context (NP_071372.1, residues 863-883): VCELQKLQYC[Val873=]GMCGDGANDC

ClinVar aggregate classification (germline): Conflicting classifications of pathogenicity. Review status: criteria provided, conflicting classifications (1 of 4 stars). 6 submissions from 6 submitters: Uncertain significance (1); Likely benign (5). Last evaluated 2026-03-01.

Conditions:
Kufor-Rakeb syndrome (KRS). Also called: PARKINSON DISEASE 9, AUTOSOMAL RECESSIVE, JUVENILE-ONSET. Identifiers: Orphanet 306674, Orphanet 314632, MedGen C1847640, MONDO:0011706, OMIM 606693.
Autosomal recessive spastic paraplegia type 78. Identifiers: Orphanet 513436, MedGen C5567893, MONDO:0014975, OMIM 617225.
Inborn genetic diseases. Identifiers: MedGen C0950123, MeSH D030342.

Allele frequency attached by ClinVar (database versions not stated): ExAC 0.00027; TOPMed 0.00029; gnomAD 0.00030; gnomAD exomes 0.00039; ESP Exome Variant Server 0.00046.
gnomAD v4.1: 387 of 1,613,740 alleles (0.024%); highest among the groups gnomAD compares: Middle Eastern, 0.049%; 5 homozygotes.

Submissions (6):

CeGaT Center for Human Genetics Tuebingen
Classification: Likely benign. Last evaluated: 2026-03-01. Review status: criteria provided, single submitter. Criteria: CeGaT Center For Human Genetics Tuebingen Variant Classification Criteria Version 2. Collection method: clinical testing. Allele origin: germline. Affected: yes. Observed: 1 variant allele.
Comment: ATP13A2: BP4, BP7

Labcorp Genetics (formerly Invitae), Labcorp
Classification: Likely benign for Kufor-Rakeb syndrome; Autosomal recessive spastic paraplegia type 78. Last evaluated: 2026-02-02. Review status: criteria provided, single submitter. Criteria: Invitae Variant Classification Sherloc (09022015). Collection method: clinical testing. Allele origin: germline.

Blueprint Genetics
Classification: Likely benign. Last evaluated: 2024-11-14. Review status: criteria provided, single submitter. Criteria: ACMG Guidelines, 2015. Collection method: clinical testing. Allele origin: germline.

GeneDx
Classification: Likely benign. Last evaluated: 2020-12-24. Review status: criteria provided, single submitter. Criteria: GeneDx Variant Classification Process June 2021. Collection method: clinical testing. Allele origin: germline. Affected: yes.

Illumina Laboratory Services, Illumina
Classification: Uncertain significance for Kufor-Rakeb syndrome. Last evaluated: 2018-01-13. Review status: criteria provided, single submitter. Criteria: ICSL Variant Classification Criteria 13 December 2019. Collection method: clinical testing. Allele origin: germline.

Ambry Genetics
Classification: Likely benign for Inborn genetic diseases. Last evaluated: 2017-12-14. Review status: criteria provided, single submitter. Criteria: Ambry Variant Classification Scheme 2023. Collection method: clinical testing. Allele origin: germline.